The following is an entry in ClinVar:

NM_138576.4(BCL11B):c.1129C>A (p.Pro377Thr)

Gene: BCL11B (BCL11 transcription factor B; minus strand). Cytogenetic location: 14q32.2.
Variant type: single nucleotide variant.
Coding change: c.1129C>A on transcript NM_138576.4 (MANE Select); coding-DNA position 1129, C replaced by A.
Protein change: p.Pro377Thr; replaces proline 377 with threonine.
Molecular consequence: missense variant.
Genome position (GRCh38, 1-based): chr14:99,175,707, G>T on the plus strand (C>A on the coding strand, the complement: BCL11B is on the minus strand). VCF-style: chr14-99175707-G-T. GRCh37 (hg19) VCF-style: chr14-99642044-G-T.
Other names: c.1126C>A, p.Pro376Thr (NM_001282237.2); c.913C>A, p.Pro305Thr (NM_001282238.2); c.916C>A, p.Pro306Thr (NM_022898.3); short protein forms P305T, P306T, P376T, P377T.
Identifiers: ClinVar variation 2092321 (VCV002092321.4), dbSNP rs1886493343, ClinGen allele CA390936047.

ClinVar aggregate classification (germline): Uncertain significance (1 of 4 stars; one submission).

gnomAD v4.1: 3 of 1,500,740 alleles (0.0002%); highest among the groups gnomAD compares: Non-Finnish European, 0.00026%; no homozygotes.

Submission:

Labcorp Genetics (formerly Invitae), Labcorp
Classification: Uncertain significance. Last evaluated: 2022-02-03. Review status: criteria provided, single submitter. Criteria: Invitae Variant Classification Sherloc (09022015). Collection method: clinical testing. Allele origin: germline.
Comment: This variant has not been reported in the literature in individuals affected with BCL11B-related conditions. In summary, the available evidence is currently insufficient to determine the role of this variant in disease. Therefore, it has been classified as a Variant of Uncertain Significance. Algorithms developed to predict the effect of missense changes on protein structure and function are either unavailable or do not agree on the potential impact of this missense change (SIFT: "Deleterious"; PolyPhen-2: "Benign"; Align-GVGD: "Class C0"). This variant is not present in population databases (gnomAD no frequency). This sequence change replaces proline, which is neutral and non-polar, with threonine, which is neutral and polar, at codon 377 of the BCL11B protein (p.Pro377Thr).